The following is an entry in ClinVar:

ClinVar aggregate classification (germline): Uncertain significance (1 of 4 stars; one submission).

Conditions:
Familial isolated arrhythmogenic right ventricular dysplasia. Identifiers: Orphanet 217656, MedGen C4274968, MONDO:0016342.

Submission:

All of Us Research Program, National Institutes of Health
Classification: Uncertain significance for Familial isolated arrhythmogenic right ventricular dysplasia. Last evaluated: 2024-05-14. Review status: criteria provided, single submitter. Criteria: ACMG Guidelines, 2015. Collection method: clinical testing. Allele origin: germline. Inheritance: Autosomal dominant inheritance. Observed: 1 variant allele, 1 heterozygote.
Comment: This missense variant replaces glutamic acid with glycine at codon 181 of the DSC2 protein. Computational prediction suggests that this variant may not impact protein structure and function (internally defined REVEL score threshold <= 0.5, PMID: 27666373). To our knowledge, functional studies have not been reported for this variant. This variant has not been reported in individuals affected with DSC2-related disorders in the literature. This variant has not been identified in the general population by the Genome Aggregation Database (gnomAD). The available evidence is insufficient to determine the role of this variant in disease conclusively. Therefore, this variant is classified as a Variant of Uncertain Significance.

This study involves interpretation of variants in research participants for the purpose of population health screening. Participant phenotype was not available at the time of variant classification. Additional details can be found in publication PMID: 35346344, PMCID: PMC8962531

NM_024422.6(DSC2):c.542A>G (p.Glu181Gly)

Gene: DSC2 (desmocollin 2; minus strand). Cytogenetic location: 18q12.1.
Variant type: single nucleotide variant.
Coding change: c.542A>G on transcript NM_024422.6 (MANE Select); coding-DNA position 542, A replaced by G.
Protein change: p.Glu181Gly; replaces glutamic acid 181 with glycine.
Molecular consequence: missense variant.
Genome position (GRCh38, 1-based): chr18:31,089,527, T>C on the plus strand (A>G on the coding strand, the complement: DSC2 is on the minus strand). VCF-style: chr18-31089527-T-C. GRCh37 (hg19) VCF-style: chr18-28669490-T-C.
Other names: c.113A>G, p.Glu38Gly (NM_001406506.1, NM_001406507.1); c.542A>G, p.Glu181Gly (NM_004949.5); short protein forms E181G, E38G.
Identifiers: ClinVar variation 3386549 (VCV003386549.1).